The following is an entry in ClinVar:

ClinVar aggregate classification (germline): Uncertain significance. Review status: criteria provided, multiple submitters, no conflicts (2 of 4 stars). 2 submissions from 2 submitters: Uncertain significance (2). Last evaluated 2026-02-27.

Conditions:
Hereditary cancer-predisposing syndrome. Also called: Neoplastic Syndromes, Hereditary; Hereditary Cancer Syndrome; Hereditary neoplastic syndrome; Tumor predisposition. Identifiers: Orphanet 140162, MedGen C0027672, MeSH D009386, MONDO:0015356.
Mitochondrial complex II deficiency, nuclear type 1. Also called: SUCCINATE CoQ REDUCTASE DEFICIENCY. Identifiers: Orphanet 3208, MedGen C5700310, MONDO:0100294, OMIM 252011.
Pheochromocytoma/paraganglioma syndrome 5. Also called: Paragangliomas 5; SDHA-Related Hereditary Paraganglioma-Pheochromocytoma Syndrome. Identifiers: Orphanet 29072, MedGen C3279992, MONDO:0013602, OMIM 614165.

Submissions (2):

Ambry Genetics
Classification: Uncertain significance for Hereditary cancer-predisposing syndrome. Last evaluated: 2026-02-27. Review status: criteria provided, single submitter. Criteria: Ambry Variant Classification Scheme 2023. Collection method: clinical testing. Allele origin: germline.
Comment: The p.D137E variant (also known as c.411T>A), located in coding exon 4 of the SDHA gene, results from a T to A substitution at nucleotide position 411. The aspartic acid at codon 137 is replaced by glutamic acid, an amino acid with highly similar properties. In addition, the in silico prediction for this alteration is inconclusive. Based on the available evidence, the clinical significance of this variant remains unclear.

Labcorp Genetics (formerly Invitae), Labcorp
Classification: Uncertain significance for Pheochromocytoma/paraganglioma syndrome 5; Mitochondrial complex II deficiency, nuclear type 1. Last evaluated: 2025-04-28. Review status: criteria provided, single submitter. Criteria: Invitae Variant Classification Sherloc (09022015). Collection method: clinical testing. Allele origin: germline.
Comment: This sequence change replaces aspartic acid, which is acidic and polar, with glutamic acid, which is acidic and polar, at codon 137 of the SDHA protein (p.Asp137Glu). This variant is not present in population databases (gnomAD no frequency). This variant has not been reported in the literature in individuals affected with SDHA-related conditions. ClinVar contains an entry for this variant (Variation ID: 472387). Invitae Evidence Modeling of protein sequence and biophysical properties (such as structural, functional, and spatial information, amino acid conservation, physicochemical variation, residue mobility, and thermodynamic stability) indicates that this missense variant is not expected to disrupt SDHA protein function with a negative predictive value of 95%. In summary, the available evidence is currently insufficient to determine the role of this variant in disease. Therefore, it has been classified as a Variant of Uncertain Significance.

NM_004168.4(SDHA):c.411T>A (p.Asp137Glu)

Gene: SDHA (succinate dehydrogenase complex flavoprotein subunit A; plus strand). Cytogenetic location: 5p15.33.
Variant type: single nucleotide variant.
Coding change: c.411T>A on transcript NM_004168.4 (MANE Select); coding-DNA position 411, T replaced by A.
Protein change: p.Asp137Glu; replaces aspartic acid 137 with glutamic acid.
Molecular consequence: missense variant. On other transcripts: intron variant (1).
Genome position (GRCh38, 1-based): chr5:225,517, T>A. VCF-style: chr5-225517-T-A. GRCh37 (hg19) VCF-style: chr5-225632-T-A.
Other names: c.411T>A, p.Asp137Glu (NM_001330758.2); c.313-366T>A (NM_001294332.2); c.411T>A (NM_004168.2); short protein forms D137E.
Identifiers: ClinVar variation 472387 (VCV000472387.10), dbSNP rs1444399160, ClinGen allele CA359009538.